The following is an entry in ClinVar:

NM_058216.3(RAD51C):c.160A>G (p.Lys54Glu)

Gene: RAD51C (RAD51 paralog C; plus strand). Cytogenetic location: 17q22.
Variant type: single nucleotide variant.
Coding change: c.160A>G on transcript NM_058216.3 (MANE Select); coding-DNA position 160, A replaced by G.
Protein change: p.Lys54Glu; replaces lysine 54 with glutamic acid.
Molecular consequence: missense variant. On other transcripts: non-coding transcript variant (2).
Genome position (GRCh38, 1-based): chr17:58,694,945, A>G. VCF-style: chr17-58694945-A-G. GRCh37 (hg19) VCF-style: chr17-56772306-A-G.
Other names: c.160A>G, p.Lys54Glu (NM_002876.4); short protein forms K54E.
Identifiers: ClinVar variation 1001880 (VCV001001880.8), dbSNP rs2047940709, ClinGen allele CA400339603.

ClinVar aggregate classification (germline): Uncertain significance (1 of 4 stars; one submission).

Conditions:
Fanconi anemia complementation group O. Also called: RAD51C-Related Fanconi Anemia. Identifiers: Orphanet 84, MedGen C3150653, MONDO:0013248, OMIM 613390.

Submission:

Labcorp Genetics (formerly Invitae), Labcorp
Classification: Uncertain significance for Fanconi anemia complementation group O. Last evaluated: 2018-04-24. Review status: criteria provided, single submitter. Criteria: Invitae Variant Classification Sherloc (09022015). Collection method: clinical testing. Allele origin: germline.
Comment: In summary, the available evidence is currently insufficient to determine the role of this variant in disease. Therefore, it has been classified as a Variant of Uncertain Significance. Algorithms developed to predict the effect of missense changes on protein structure and function (SIFT, PolyPhen-2, Align-GVGD) all suggest that this variant is likely to be tolerated, but these predictions have not been confirmed by published functional studies and their clinical significance is uncertain. This variant has not been reported in the literature in individuals with RAD51C-related disease. This variant is not present in population databases (ExAC no frequency). This sequence change replaces lysine with glutamic acid at codon 54 of the RAD51C protein (p.Lys54Glu). The lysine residue is weakly conserved and there is a small physicochemical difference between lysine and glutamic acid.